The following is an entry in ClinVar:

NM_000458.4(HNF1B):c.1193C>G (p.Pro398Arg)

Gene: HNF1B (HNF1 homeobox B; minus strand). Cytogenetic location: 17q12.
Variant type: single nucleotide variant.
Coding change: c.1193C>G on transcript NM_000458.4 (MANE Select); coding-DNA position 1193, C replaced by G.
Protein change: p.Pro398Arg; replaces proline 398 with arginine.
Molecular consequence: missense variant.
Genome position (GRCh38, 1-based): chr17:37,710,516, G>C on the plus strand (C>G on the coding strand, the complement: HNF1B is on the minus strand). VCF-style: chr17-37710516-G-C. GRCh37 (hg19) VCF-style: chr17-36070524-G-C.
Other names: c.1115C>G, p.Pro372Arg (NM_001165923.4, NM_001304286.2); c.1193C>G, p.Pro398Arg (NM_001411100.1); short protein forms P372R, P398R.
Identifiers: ClinVar variation 1986855 (VCV001986855.4), dbSNP rs2095540582, ClinGen allele CA398759031.

ClinVar aggregate classification (germline): Uncertain significance (1 of 4 stars; one submission).

Allele frequency attached by ClinVar (database versions not stated): gnomAD exomes below 0.00001.
gnomAD v4.1: 1 of 1,614,202 alleles (0.000062%); highest among the groups gnomAD compares: Non-Finnish European, 0.000085%; no homozygotes.

Submission:

Labcorp Genetics (formerly Invitae), Labcorp
Classification: Uncertain significance. Last evaluated: 2022-04-18. Review status: criteria provided, single submitter. Criteria: Invitae Variant Classification Sherloc (09022015). Collection method: clinical testing. Allele origin: germline.
Comment: Algorithms developed to predict the effect of missense changes on protein structure and function (SIFT, PolyPhen-2, Align-GVGD) all suggest that this variant is likely to be disruptive. In summary, the available evidence is currently insufficient to determine the role of this variant in disease. Therefore, it has been classified as a Variant of Uncertain Significance. This variant has not been reported in the literature in individuals affected with HNF1B-related conditions. This variant is not present in population databases (gnomAD no frequency). This sequence change replaces proline, which is neutral and non-polar, with arginine, which is basic and polar, at codon 398 of the HNF1B protein (p.Pro398Arg).